The following is an entry in ClinVar:

NM_000053.4(ATP7B):c.2561A>G (p.Glu854Gly)

Gene: ATP7B (ATPase copper transporting beta; minus strand). Cytogenetic location: 13q14.3.
Variant type: single nucleotide variant.
Coding change: c.2561A>G on transcript NM_000053.4 (MANE Select); coding-DNA position 2561, A replaced by G.
Protein change: p.Glu854Gly; replaces glutamic acid 854 with glycine.
Molecular consequence: missense variant.
Genome position (GRCh38, 1-based): chr13:51,950,286, T>C on the plus strand (A>G on the coding strand, the complement: ATP7B is on the minus strand). VCF-style: chr13-51950286-T-C. GRCh37 (hg19) VCF-style: chr13-52524422-T-C.
Other names: c.2384A>G, p.Glu795Gly (NM_001406524.1); c.2561A>G, p.Glu854Gly (NM_001406525.1, NM_001406526.1, NM_001406535.1 and 7 more transcripts); c.2327A>G, p.Glu776Gly (NM_001406527.1, NM_001406528.1, NM_001406534.1 and 2 more transcripts); c.2321A>G, p.Glu774Gly (NM_001406530.1); c.2309A>G, p.Glu770Gly (NM_001406531.1, NM_001406532.1, NM_001330579.2 and 1 more transcripts); c.1913A>G, p.Glu638Gly (NM_001406545.1, NM_001406547.1); c.2075A>G, p.Glu692Gly (NM_001406546.1, NM_001005918.3, NM_001406541.1 and 1 more transcripts); c.2228A>G, p.Glu743Gly (NM_001243182.2); and 7 more; short protein forms E711G, E822G, E738G, E744G, E795G, E854G, E770G, E774G.
Identifiers: ClinVar variation 2137524 (VCV002137524.4), dbSNP rs1403129366, ClinGen allele CA388015797.

ClinVar aggregate classification (germline): Likely pathogenic (1 of 4 stars; one submission).

Conditions:
Wilson disease (WND). Also called: Wilson's disease. Identifiers: Orphanet 905, MedGen C0019202, MONDO:0010200, OMIM 277900. Disease mechanism: loss of function.

Allele frequency attached by ClinVar (database versions not stated): gnomAD exomes below 0.00001.
gnomAD v4.1: 1 of 1,614,166 alleles (0.000062%); highest among the groups gnomAD compares: Admixed American, 0.0017%; no homozygotes.

Submission:

Labcorp Genetics (formerly Invitae), Labcorp
Classification: Likely pathogenic for Wilson disease. Last evaluated: 2023-12-16. Review status: criteria provided, single submitter. Criteria: Invitae Variant Classification Sherloc (09022015). Collection method: clinical testing. Allele origin: germline.
Comment: This sequence change replaces glutamic acid, which is acidic and polar, with glycine, which is neutral and non-polar, at codon 854 of the ATP7B protein (p.Glu854Gly). This variant is present in population databases (no rsID available, gnomAD 0.003%). This missense change has been observed in individual(s) with Wilson disease (PMID: 27398169). ClinVar contains an entry for this variant (Variation ID: 2137524). Advanced modeling of protein sequence and biophysical properties (such as structural, functional, and spatial information, amino acid conservation, physicochemical variation, residue mobility, and thermodynamic stability) performed at Invitae indicates that this missense variant is expected to disrupt ATP7B protein function with a positive predictive value of 80%. This variant disrupts the p.Glu854 amino acid residue in ATP7B. Other variant(s) that disrupt this residue have been observed in individuals with ATP7B-related conditions (PMID: 35220961), which suggests that this may be a clinically significant amino acid residue. In summary, the currently available evidence indicates that the variant is pathogenic, but additional data are needed to prove that conclusively. Therefore, this variant has been classified as Likely Pathogenic.

Literature cited by the submitters: PubMed 27398169; PubMed 35220961.